The following is an entry in ClinVar:

ClinVar aggregate classification (germline): Pathogenic (1 of 4 stars; one submission).

Conditions:
Autosomal recessive nonsyndromic hearing loss 3. Also called: NEUROSENSORY NONSYNDROMIC RECESSIVE DEAFNESS 3. Identifiers: Orphanet 90636, MedGen C1838263, MONDO:0010860, OMIM 600316.

Submission:

Victorian Clinical Genetics Services, Murdoch Childrens Research Institute
Classification: Pathogenic for Autosomal recessive nonsyndromic hearing loss 3. Last evaluated: 2026-03-12. Review status: criteria provided, single submitter. Criteria: ACMG Guidelines, 2015. Collection method: clinical testing. Allele origin: germline. Affected: yes.
Comment: This variant is classified as Pathogenic. Evidence in support of pathogenic classification: Variant is predicted to cause nonsense-mediated decay (NMD) and loss of protein (premature termination codon is located at least 54 nucleotides upstream of the final exon-exon junction); Variant is absent from gnomAD (v2, v3 and v4); Other NMD-predicted variant(s) comparable to the one identified in this case have very strong previous evidence for pathogenicity (DECIPHER). Additional information: This variant is heterozygous; This gene is associated with autosomal recessive disease; This variant has no previous evidence of pathogenicity; No published evidence of segregation with disease has been identified for this variant; No published functional evidence has been identified for this variant; Loss of function is a known mechanism of disease in this gene and is associated with deafness, autosomal recessive 3 (MIM#600316); Inheritance information for this variant is not currently available in this individual.

NM_016239.4(MYO15A):c.3228del (p.Pro1077fs)

Gene: MYO15A (myosin XVA; plus strand). Cytogenetic location: 17p11.2.
Variant type: Deletion.
Coding change: c.3228del on transcript NM_016239.4 (MANE Select); coding-DNA position 3228, one base deleted (A; older notation c.3228delA).
Protein change: p.Pro1077fs; shifts the reading frame from proline 1077.
Molecular consequence: frameshift variant.
Genome position (GRCh38, 1-based): chr17:18,122,028, A deleted. VCF-style (leftmost placement, unchanged base first): chr17-18122027-CA-C. GRCh37 (hg19) VCF-style: chr17-18025341-CA-C.
Other names: short protein forms P1077fs.
Identifiers: ClinVar variation 4845328 (VCV004845328.2).